The following is an entry in ClinVar:

NM_004336.5(BUB1):c.3017T>C (p.Val1006Ala)

Gene: BUB1 (BUB1 mitotic checkpoint serine/threonine kinase; minus strand). Cytogenetic location: 2q13.
Variant type: single nucleotide variant.
Coding change: c.3017T>C on transcript NM_004336.5 (MANE Select); coding-DNA position 3017, T replaced by C.
Protein change: p.Val1006Ala; replaces valine 1006 with alanine.
Molecular consequence: missense variant.
Genome position (GRCh38, 1-based): chr2:110,639,787, A>G on the plus strand (T>C on the coding strand, the complement: BUB1 is on the minus strand). VCF-style: chr2-110639787-A-G. GRCh37 (hg19) VCF-style: chr2-111397364-A-G.
Other names: c.2957T>C, p.Val986Ala (NM_001278616.2); c.2846T>C, p.Val949Ala (NM_001278617.2); short protein forms V986A, V1006A, V949A.
Identifiers: ClinVar variation 1798870 (VCV001798870.2), dbSNP rs2467967064, ClinGen allele CA348088762.

ClinVar aggregate classification (germline): Uncertain significance (1 of 4 stars; one submission).

Submission:

Ambry Genetics
Classification: Uncertain significance. Last evaluated: 2022-08-22. Review status: criteria provided, single submitter. Criteria: Ambry Variant Classification Scheme 2023. Collection method: clinical testing. Allele origin: germline.
Comment: The p.V1006A variant (also known as c.3017T>C), located in coding exon 24 of the BUB1 gene, results from a T to C substitution at nucleotide position 3017. The valine at codon 1006 is replaced by alanine, an amino acid with similar properties. This amino acid position is conserved. In addition, this alteration is predicted to be tolerated by in silico analysis. Since supporting evidence is limited at this time, the clinical significance of this alteration remains unclear.